The following is an entry in ClinVar:

ClinVar aggregate classification (germline): Uncertain significance (1 of 4 stars; one submission).

Submission:

Labcorp Genetics (formerly Invitae), Labcorp
Classification: Uncertain significance. Last evaluated: 2025-01-05. Review status: criteria provided, single submitter. Criteria: Invitae Variant Classification Sherloc (09022015). Collection method: clinical testing. Allele origin: germline.
Comment: This variant, c.910_912del, results in the deletion of 1 amino acid(s) of the TERF2IP protein (p.Glu304del), but otherwise preserves the integrity of the reading frame. The frequency data for this variant in the population databases is considered unreliable, as metrics indicate poor data quality at this position in the gnomAD database. This variant has not been reported in the literature in individuals affected with TERF2IP-related conditions. Experimental studies and prediction algorithms are not available or were not evaluated, and the functional significance of this variant is currently unknown. In summary, the available evidence is currently insufficient to determine the role of this variant in disease. Therefore, it has been classified as a Variant of Uncertain Significance.

NM_018975.4(TERF2IP):c.895GAA[5] (p.Glu304del)

Gene: TERF2IP (TERF2 interacting protein; plus strand). Cytogenetic location: 16q23.1.
Variant type: Microsatellite.
Coding change: c.895GAA[5] on transcript NM_018975.4 (MANE Select); five copies in a row of the 3-base unit GAA starting at c.895; the reference has six copies in a row; one copy, 3 bases deleted.
Protein change: p.Glu304del; deletes glutamic acid 304.
Molecular consequence: inframe deletion. On other transcripts: non-coding transcript variant (1).
Genome position (GRCh38, 1-based): chr16:75,656,321-75,656,323, GAA deleted; deleting any 3 consecutive bases within chr16:75,656,306-75,656,323 gives the same sequence; the position shown is the placement nearest the transcript's 3' end. VCF-style (leftmost placement, unchanged base first): chr16-75656305-GGAA-G. GRCh37 (hg19) VCF-style: chr16-75690203-GGAA-G.
Other names: short protein forms E304del.
Identifiers: ClinVar variation 2849271 (VCV002849271.3), dbSNP rs747026590, ClinGen allele CA8178120.